The following is an entry in ClinVar:

NM_031935.3(HMCN1):c.6704C>T (p.Ser2235Phe)

Gene: HMCN1 (hemicentin 1; plus strand). Cytogenetic location: 1q31.1.
Variant type: single nucleotide variant.
Coding change: c.6704C>T on transcript NM_031935.3 (MANE Select); coding-DNA position 6704, C replaced by T.
Protein change: p.Ser2235Phe; replaces serine 2235 with phenylalanine.
Molecular consequence: missense variant.
Genome position (GRCh38, 1-based): chr1:186,053,828, C>T. VCF-style: chr1-186053828-C-T. GRCh37 (hg19) VCF-style: chr1-186022960-C-T.
Other names: short protein forms S2235F.
Identifiers: ClinVar variation 2765486 (VCV002765486.3), dbSNP rs2527712006, ClinGen allele CA343901186.

ClinVar aggregate classification (germline): Uncertain significance (1 of 4 stars; one submission).

Submission:

Labcorp Genetics (formerly Invitae), Labcorp
Classification: Uncertain significance. Last evaluated: 2023-10-04. Review status: criteria provided, single submitter. Criteria: Invitae Variant Classification Sherloc (09022015). Collection method: clinical testing. Allele origin: germline.
Comment: This sequence change replaces serine, which is neutral and polar, with phenylalanine, which is neutral and non-polar, at codon 2235 of the HMCN1 protein (p.Ser2235Phe). This variant is not present in population databases (gnomAD no frequency). This variant has not been reported in the literature in individuals affected with HMCN1-related conditions. An algorithm developed to predict the effect of missense changes on protein structure and function (PolyPhen-2) suggests that this variant is likely to be tolerated. In summary, the available evidence is currently insufficient to determine the role of this variant in disease. Therefore, it has been classified as a Variant of Uncertain Significance.